The following is an entry in ClinVar:

ClinVar aggregate classification (germline): Pathogenic (1 of 4 stars; one submission).

Conditions:
Okur-Chung neurodevelopmental syndrome (OCNDS). Identifiers: Orphanet 689422, MedGen C4310739, MONDO:0014893, OMIM 617062.

Submission:

GeneDx
Classification: Pathogenic. Last evaluated: 2025-06-16. Review status: criteria provided, single submitter. Criteria: GeneDx Variant Classification Process June 2021. Collection method: clinical testing. Allele origin: germline. Affected: yes.
Comment: Frameshift variant predicted to result in protein truncation or nonsense mediated decay in a gene for which loss of function is a known mechanism of disease; Not observed at significant frequency in large population cohorts (gnomAD); Has not been previously published as pathogenic or benign to our knowledge

NM_177559.3(CSNK2A1):c.96del (p.Glu32fs)

Gene: CSNK2A1 (casein kinase 2 alpha 1; minus strand). Cytogenetic location: 20p13.
Variant type: Deletion.
Coding change: c.96del on transcript NM_177559.3 (MANE Select); coding-DNA position 96, one base deleted (A; older notation c.96delA).
Protein change: p.Glu32fs; shifts the reading frame from glutamic acid 32.
Molecular consequence: frameshift variant. On other transcripts: intron variant (1).
Genome position (GRCh38, 1-based): chr20:508,456, T deleted on the plus strand (A on the coding strand, the reverse complement: CSNK2A1 is on the minus strand); the first of 2 consecutive T bases (chr20:508,456-508,457); deleting either gives the same sequence. VCF-style (leftmost placement, unchanged base first): chr20-508455-AT-A. GRCh37 (hg19) VCF-style: chr20-489099-AT-A.
Other names: c.96del, p.Glu32fs (NM_001362770.2, NM_001362771.2, NM_001895.4); c.96delA (NM_001895.3); c.-307-3227del (NM_177560.3); c.96del (NM_001895.3); short protein forms E32fs.
Identifiers: ClinVar variation 817389 (VCV000817389.4), dbSNP rs1600392059, ClinGen allele CA915953100.